The following is an entry in ClinVar:

NM_000548.5(TSC2):c.1600-8C>T

Gene: TSC2 (TSC complex subunit 2; plus strand). Cytogenetic location: 16p13.3.
Variant type: single nucleotide variant.
Coding change: c.1600-8C>T on transcript NM_000548.5 (MANE Select); 8 bases into the intron before coding-DNA position 1600, C replaced by T.
Molecular consequence: intron variant.
Genome position (GRCh38, 1-based): chr16:2,065,511, C>T. VCF-style: chr16-2065511-C-T. GRCh37 (hg19) VCF-style: chr16-2115512-C-T.
Other names: c.1600-8C>T (NM_001114382.3, NM_021055.3, NM_001370405.1 and 3 more transcripts); c.1489-8C>T (NM_001318827.2); c.1000-8C>T (NM_001318831.2); c.1453-8C>T (NM_001318829.2); c.1633-8C>T (NM_001318832.2).
Identifiers: ClinVar variation 536027 (VCV000536027.9), dbSNP rs1555503101, ClinGen allele CA658798481.

ClinVar aggregate classification (germline): Likely benign. Review status: criteria provided, multiple submitters, no conflicts (2 of 4 stars). 2 submissions from 2 submitters: Likely benign (2). Last evaluated 2023-10-27.

Conditions:
Tuberous sclerosis syndrome (TSC). Also called: Tuberous Sclerosis Complex; Tuberous sclerosis. Identifiers: Orphanet 805, MedGen C0041341, MONDO:0001734.
Tuberous sclerosis 2 (TSC2). Identifiers: Orphanet 805, MedGen C1860707, MONDO:0013199, OMIM 613254.

Allele frequency attached by ClinVar (database versions not stated): gnomAD exomes below 0.00001.
gnomAD v4.1: 1 of 1,600,778 alleles (0.000062%); highest among the groups gnomAD compares: East Asian, 0.0023%; no homozygotes.

Submissions (2):

All of Us Research Program, National Institutes of Health
Classification: Likely benign for Tuberous sclerosis syndrome. Last evaluated: 2023-10-27. Review status: criteria provided, single submitter. Criteria: ACMG Guidelines, 2015. Collection method: clinical testing. Allele origin: germline. Inheritance: Autosomal dominant inheritance. Observed: 1 variant allele, 1 heterozygote.
Comment: This study involves interpretation of variants in research participants for the purpose of population health screening. Participant phenotype was not available at the time of variant classification. Additional details can be found in publication PMID: 35346344, PMCID: PMC8962531

Labcorp Genetics (formerly Invitae), Labcorp
Classification: Likely benign for Tuberous sclerosis 2. Last evaluated: 2023-09-04. Review status: criteria provided, single submitter. Criteria: Invitae Variant Classification Sherloc (09022015). Collection method: clinical testing. Allele origin: germline.